The following is an entry in ClinVar:

ClinVar aggregate classification (germline): Uncertain significance (1 of 4 stars; one submission).

Conditions:
Inborn genetic diseases. Identifiers: MedGen C0950123, MeSH D030342.

Submission:

Ambry Genetics
Classification: Uncertain significance for Inborn genetic diseases. Last evaluated: 2021-12-10. Review status: criteria provided, single submitter. Criteria: Ambry Variant Classification Scheme 2023. Collection method: clinical testing. Allele origin: germline.
Comment: The p.S1426Y variant (also known as c.4277C>A), located in coding exon 24 of the ATR gene, results from a C to A substitution at nucleotide position 4277. The serine at codon 1426 is replaced by tyrosine, an amino acid with dissimilar properties. This amino acid position is conserved. In addition, this alteration is predicted to be tolerated by in silico analysis. Since supporting evidence is limited at this time, the clinical significance of this alteration remains unclear.

NM_001184.4(ATR):c.4277C>A (p.Ser1426Tyr)

Gene: ATR (ATR checkpoint kinase; minus strand). Cytogenetic location: 3q23.
Variant type: single nucleotide variant.
Coding change: c.4277C>A on transcript NM_001184.4 (MANE Select); coding-DNA position 4277, C replaced by A.
Protein change: p.Ser1426Tyr; replaces serine 1426 with tyrosine.
Molecular consequence: missense variant.
Genome position (GRCh38, 1-based): chr3:142,519,774, G>T on the plus strand (C>A on the coding strand, the complement: ATR is on the minus strand). VCF-style: chr3-142519774-G-T. GRCh37 (hg19) VCF-style: chr3-142238616-G-T.
Other names: c.4085C>A, p.Ser1362Tyr (NM_001354579.2); short protein forms S1362Y, S1426Y.
Identifiers: ClinVar variation 1739300 (VCV001739300.2), dbSNP rs2473245393, ClinGen allele CA354800411.
Genomic context (GRCh38, chr3:142,519,774, plus strand): 5'-AATCTCCTCCACAATTGGTGACCTGGGCCGTTGGTCTCCATCTCTCTACAGTCATAAATA[G>T]AAAGCAACTCCTACAAATACATATTTTACATTTGTAAGTCCACAGTGAAGCAGATAACGC-3'
Protein context (NP_001175.2, residues 1416-1436): SAAYAIQELL[Ser1426Tyr]IYDCREMETN